The following is an entry in ClinVar:

NM_004360.5(CDH1):c.194G>A (p.Arg65Lys)

Gene: CDH1 (cadherin 1; plus strand). Cytogenetic location: 16q22.1.
Variant type: single nucleotide variant.
Coding change: c.194G>A on transcript NM_004360.5 (MANE Select); coding-DNA position 194, G replaced by A.
Protein change: p.Arg65Lys; replaces arginine 65 with lysine.
Molecular consequence: missense variant. On other transcripts: 5 prime UTR variant (2).
Genome position (GRCh38, 1-based): chr16:68,801,700, G>A. VCF-style: chr16-68801700-G-A. GRCh37 (hg19) VCF-style: chr16-68835603-G-A.
Other names: c.194G>A, p.Arg65Lys (NM_001317184.2); c.-1422G>A (NM_001317185.2); c.-1626G>A (NM_001317186.2); short protein forms R65K.
Identifiers: ClinVar variation 927136 (VCV000927136.9), dbSNP rs1478145907, ClinGen allele CA396457136.

ClinVar aggregate classification (germline): Conflicting classifications of pathogenicity. Review status: criteria provided, conflicting classifications (1 of 4 stars). 3 submissions from 3 submitters: Uncertain significance (2); Likely benign (1). Last evaluated 2026-06-22.

Conditions:
Hereditary cancer-predisposing syndrome. Also called: Neoplastic Syndromes, Hereditary; Hereditary Cancer Syndrome; Tumor predisposition; Hereditary neoplastic syndrome. Identifiers: Orphanet 140162, MedGen C0027672, MeSH D009386, MONDO:0015356.
Hereditary diffuse gastric adenocarcinoma (HDGC). Also called: DIFFUSE GASTRIC AND LOBULAR BREAST CANCER SYNDROME. Identifiers: Orphanet 26106, MedGen C1708349, MONDO:0007648, OMIM 137215.

Allele frequency attached by ClinVar (database versions not stated): TOPMed below 0.00001.

Submissions (3):

Ambry Genetics
Classification: Likely benign for Hereditary cancer-predisposing syndrome. Last evaluated: 2026-06-22. Review status: criteria provided, single submitter. Criteria: Ambry Variant Classification Scheme 2023. Collection method: clinical testing. Allele origin: germline.

Labcorp Genetics (formerly Invitae), Labcorp
Classification: Uncertain significance for Hereditary diffuse gastric adenocarcinoma. Last evaluated: 2025-12-15. Review status: criteria provided, single submitter. Criteria: Invitae Variant Classification Sherloc (09022015). Collection method: clinical testing. Allele origin: germline.
Comment: This sequence change replaces arginine, which is basic and polar, with lysine, which is basic and polar, at codon 65 of the CDH1 protein (p.Arg65Lys). This variant is not present in population databases (gnomAD no frequency). This variant has not been reported in the literature in individuals affected with CDH1-related conditions. ClinVar contains an entry for this variant (Variation ID: 927136). An algorithm developed to predict the effect of missense changes on protein structure and function outputs the following: PolyPhen-2: "Benign". The lysine amino acid residue is found in multiple mammalian species, which suggests that this missense change does not adversely affect protein function. In summary, the available evidence is currently insufficient to determine the role of this variant in disease. Therefore, it has been classified as a Variant of Uncertain Significance.

Color Diagnostics, LLC DBA Color Health
Classification: Uncertain significance for Hereditary cancer-predisposing syndrome. Last evaluated: 2023-12-05. Review status: criteria provided, single submitter. Criteria: ACMG Guidelines, 2015. Collection method: clinical testing. Allele origin: germline.
Comment: This missense variant replaces arginine with lysine at codon 65 of the CDH1 protein. To our knowledge, functional studies have not been reported for this variant. This variant has not been reported in individuals affected with CDH1-related disorders in the literature. This variant has not been identified in the general population by the Genome Aggregation Database (gnomAD). The available evidence is insufficient to determine the role of this variant in disease conclusively. Therefore, this variant is classified as a Variant of Uncertain Significance.